The following is an entry in ClinVar:

NM_022041.4(GAN):c.1178G>A (p.Cys393Tyr)

Gene: GAN (gigaxonin; plus strand). Cytogenetic location: 16q23.2.
Variant type: single nucleotide variant.
Coding change: c.1178G>A on transcript NM_022041.4 (MANE Select); coding-DNA position 1178, G replaced by A.
Protein change: p.Cys393Tyr; replaces cysteine 393 with tyrosine.
Molecular consequence: missense variant.
Genome position (GRCh38, 1-based): chr16:81,363,885, G>A. VCF-style: chr16-81363885-G-A. GRCh37 (hg19) VCF-style: chr16-81397490-G-A.
Other names: c.539G>A, p.Cys180Tyr (NM_001377486.1); short protein forms C393Y, C180Y.
Identifiers: ClinVar variation 970743 (VCV000970743.9), dbSNP rs951138056, ClinGen allele CA284268337.

ClinVar aggregate classification (germline): Uncertain significance (1 of 4 stars; one submission).

Conditions:
Giant axonal neuropathy 1 (GAN1). Also called: GAN-Related Neurodegeneration; GIANT AXONAL NEUROPATHY 1, AUTOSOMAL RECESSIVE. Identifiers: Orphanet 643, MedGen C1850386, MONDO:0009749, OMIM 256850.

Allele frequency attached by ClinVar (database versions not stated): gnomAD exomes below 0.00001; TOPMed below 0.00001.
gnomAD v4.1: 3 of 1,612,540 alleles (0.00019%); highest among the groups gnomAD compares: South Asian, 0.0022%; no homozygotes.

Submission:

Labcorp Genetics (formerly Invitae), Labcorp
Classification: Uncertain significance for Giant axonal neuropathy 1. Last evaluated: 2019-10-10. Review status: criteria provided, single submitter. Criteria: Invitae Variant Classification Sherloc (09022015). Collection method: clinical testing. Allele origin: germline.
Comment: In summary, the available evidence is currently insufficient to determine the role of this variant in disease. Therefore, it has been classified as a Variant of Uncertain Significance. Algorithms developed to predict the effect of missense changes on protein structure and function are either unavailable or do not agree on the potential impact of this missense change (SIFT: "Tolerated"; PolyPhen-2: "Benign"; Align-GVGD: "Class C0"). This variant has not been reported in the literature in individuals with GAN-related conditions. This variant is not present in population databases (ExAC no frequency). This sequence change replaces cysteine with tyrosine at codon 393 of the GAN protein (p.Cys393Tyr). The cysteine residue is weakly conserved and there is a large physicochemical difference between cysteine and tyrosine.